The following is an entry in ClinVar:

ClinVar aggregate classification (germline): Benign (0 of 4 stars; one submission).

Conditions:
IFNLR1-related disorder. Also called: IFNLR1-related condition.

Allele frequency attached by ClinVar (database versions not stated): gnomAD exomes 0.00593; ExAC 0.01641; gnomAD 0.03399; ESP Exome Variant Server 0.03614; TOPMed 0.03750; 1000 Genomes Project 0.04014; 1000 Genomes Project 30x 0.04232.
gnomAD v4.1: 13,997 of 1,612,476 alleles (0.87%); highest among the groups gnomAD compares: African/African-American, 12%; 643 homozygotes.

Submission:

PreventionGenetics, part of Exact Sciences
Classification: Benign for IFNLR1-related condition. Last evaluated: 2019-07-15. Review status: no assertion criteria provided. Collection method: clinical testing. Allele origin: germline.
Comment: This variant is classified as benign based on ACMG/AMP sequence variant interpretation guidelines (Richards et al. 2015 PMID: 25741868, with internal and published modifications).

NM_170743.4(IFNLR1):c.1540T>C (p.Leu514=)

Gene: IFNLR1 (interferon lambda receptor 1; minus strand). Cytogenetic location: 1p36.11.
Variant type: single nucleotide variant.
Coding change: c.1540T>C on transcript NM_170743.4 (MANE Select); coding-DNA position 1540, T replaced by C.
Protein change: p.Leu514=; no amino-acid change (leucine 514 retained).
Molecular consequence: synonymous variant. On other transcripts: 3 prime UTR variant (1).
Genome position (GRCh38, 1-based): chr1:24,157,153, A>G on the plus strand (T>C on the coding strand, the complement: IFNLR1 is on the minus strand). VCF-style: chr1-24157153-A-G. GRCh37 (hg19) VCF-style: chr1-24483643-A-G.
Other names: c.1453T>C, p.Leu485= (NM_173064.3); c.*674T>C (NM_173065.3).
Identifiers: ClinVar variation 3056961 (VCV003056961.2), dbSNP rs59631801, ClinGen allele CA689374.